The following is an entry in ClinVar:

ClinVar aggregate classification (germline): Uncertain significance. Review status: criteria provided, multiple submitters, no conflicts (2 of 4 stars). 2 submissions from 2 submitters: Uncertain significance (2). Last evaluated 2024-09-04.

Conditions:
Inborn genetic diseases. Identifiers: MedGen C0950123, MeSH D030342.
2-aminoadipic 2-oxoadipic aciduria (AAKAD). Also called: Aminoadipic aciduria; ALPHA-AMINOADIPIC AND ALPHA-KETOADIPIC ACIDURIA. Identifiers: Orphanet 79154, MedGen C1859817, MONDO:0008774, OMIM 204750.

Allele frequency attached by ClinVar (database versions not stated): gnomAD exomes 0.00002; ESP Exome Variant Server 0.00008; gnomAD 0.00008; TOPMed 0.00011; 1000 Genomes Project 0.00020; 1000 Genomes Project 30x 0.00031.
gnomAD v4.1: 39 of 1,614,150 alleles (0.0024%); highest among the groups gnomAD compares: African/African-American, 0.021%; no homozygotes.

Submissions (2):

Labcorp Genetics (formerly Invitae), Labcorp
Classification: Uncertain significance for 2-aminoadipic 2-oxoadipic aciduria. Last evaluated: 2024-09-04. Review status: criteria provided, single submitter. Criteria: Invitae Variant Classification Sherloc (09022015). Collection method: clinical testing. Allele origin: germline.
Comment: This sequence change replaces threonine, which is neutral and polar, with methionine, which is neutral and non-polar, at codon 473 of the DHTKD1 protein (p.Thr473Met). This variant is present in population databases (rs146296747, gnomAD 0.02%). This variant has not been reported in the literature in individuals affected with DHTKD1-related conditions. ClinVar contains an entry for this variant (Variation ID: 1984882). Invitae Evidence Modeling of protein sequence and biophysical properties (such as structural, functional, and spatial information, amino acid conservation, physicochemical variation, residue mobility, and thermodynamic stability) indicates that this missense variant is expected to disrupt DHTKD1 protein function with a positive predictive value of 80%. In summary, the available evidence is currently insufficient to determine the role of this variant in disease. Therefore, it has been classified as a Variant of Uncertain Significance.

Ambry Genetics
Classification: Uncertain significance for Inborn genetic diseases. Last evaluated: 2023-02-28. Review status: criteria provided, single submitter. Criteria: Ambry Variant Classification Scheme 2023. Collection method: clinical testing. Allele origin: germline.

NM_018706.7(DHTKD1):c.1418C>T (p.Thr473Met)

Gene: DHTKD1 (dehydrogenase E1 and transketolase domain containing 1; plus strand). Cytogenetic location: 10p14.
Variant type: single nucleotide variant.
Coding change: c.1418C>T on transcript NM_018706.7 (MANE Select); coding-DNA position 1418, C replaced by T.
Protein change: p.Thr473Met; replaces threonine 473 with methionine.
Molecular consequence: missense variant.
Genome position (GRCh38, 1-based): chr10:12,097,743, C>T. VCF-style: chr10-12097743-C-T. GRCh37 (hg19) VCF-style: chr10-12139742-C-T.
Other names: c.1418C>T (NM_018706.5); short protein forms T473M.
Identifiers: ClinVar variation 1984882 (VCV001984882.6), dbSNP rs146296747, ClinGen allele CA5407853.